The following is an entry in ClinVar:

NM_004655.4(AXIN2):c.34G>T (p.Asp12Tyr)

Gene: AXIN2 (axin 2; minus strand). Cytogenetic location: 17q24.1.
Variant type: single nucleotide variant.
Coding change: c.34G>T on transcript NM_004655.4 (MANE Select); coding-DNA position 34, G replaced by T.
Protein change: p.Asp12Tyr; replaces aspartic acid 12 with tyrosine.
Molecular consequence: missense variant.
Genome position (GRCh38, 1-based): chr17:65,558,587, C>A on the plus strand (G>T on the coding strand, the complement: AXIN2 is on the minus strand). VCF-style: chr17-65558587-C-A. GRCh37 (hg19) VCF-style: chr17-63554705-C-A.
Other names: c.34G>T (NM_004655.3); c.34G>T, p.Asp12Tyr (NM_001363813.1); short protein forms D12Y.
Identifiers: ClinVar variation 1468311 (VCV001468311.7), dbSNP rs1064793821, ClinGen allele CA400682428.
Genomic context (GRCh38, chr17:65,558,587, plus strand): 5'-CCCCTTCTTCCCCTGGCACTGGGGGCCGCGGGGCATCCTCACGGAAGCTGCTGCTGGGGT[C>A]CGGGAGGCAAGTCACCAACATAGCGCTACTCATGGTGAGGGAGCTCTTCCCACTGAGTCT-3'
Protein context (NP_004646.3, residues 2-22): SSAMLVTCLP[Asp12Tyr]PSSSFREDAP

ClinVar aggregate classification (germline): Uncertain significance. Review status: criteria provided, multiple submitters, no conflicts (2 of 4 stars). 3 submissions from 3 submitters: Uncertain significance (3). Last evaluated 2024-08-07.

Conditions:
Hereditary cancer-predisposing syndrome. Also called: Tumor predisposition; Hereditary Cancer Syndrome; Hereditary neoplastic syndrome; Neoplastic Syndromes, Hereditary. Identifiers: Orphanet 140162, MedGen C0027672, MeSH D009386, MONDO:0015356.
Colorectal cancer. Also called: Colorectal cancer, somatic; Malignant Colorectal Neoplasm. Identifiers: MedGen C0346629, MONDO:0005575, OMIM 114500.
Oligodontia-cancer predisposition syndrome. Also called: TOOTH AGENESIS-COLORECTAL CANCER SYNDROME. Identifiers: Orphanet 300576, MedGen C1837750, MONDO:0012075, OMIM 608615. Disease mechanism: loss of function.

Allele frequency attached by ClinVar (database versions not stated): gnomAD exomes below 0.00001.
gnomAD v4.1: 1 of 1,610,552 alleles (0.000062%); highest among the groups gnomAD compares: South Asian, 0.0011%; no homozygotes.

Submissions (3):

Ambry Genetics
Classification: Uncertain significance for Hereditary cancer-predisposing syndrome. Last evaluated: 2024-08-07. Review status: criteria provided, single submitter. Criteria: Ambry Variant Classification Scheme 2023. Collection method: clinical testing. Allele origin: germline.
Comment: The p.D12Y variant (also known as c.34G>T), located in coding exon 1 of the AXIN2 gene, results from a G to T substitution at nucleotide position 34. The aspartic acid at codon 12 is replaced by tyrosine, an amino acid with highly dissimilar properties. This amino acid position is well conserved in available vertebrate species. In addition, the in silico prediction for this alteration is inconclusive. Based on the available evidence, the clinical significance of this variant remains unclear.

Baylor Genetics
Classification: Uncertain significance for Colorectal cancer. Last evaluated: 2023-09-15. Review status: criteria provided, single submitter. Criteria: ACMG Guidelines, 2015. Collection method: clinical testing. Allele origin: unknown.

Labcorp Genetics (formerly Invitae), Labcorp
Classification: Uncertain significance for Oligodontia-cancer predisposition syndrome. Last evaluated: 2021-09-24. Review status: criteria provided, single submitter. Criteria: Invitae Variant Classification Sherloc (09022015). Collection method: clinical testing. Allele origin: germline.
Comment: This sequence change replaces aspartic acid with tyrosine at codon 12 of the AXIN2 protein (p.Asp12Tyr). The aspartic acid residue is moderately conserved and there is a large physicochemical difference between aspartic acid and tyrosine. This variant is not present in population databases (ExAC no frequency). This variant has not been reported in the literature in individuals with AXIN2-related conditions. Algorithms developed to predict the effect of missense changes on protein structure and function are either unavailable or do not agree on the potential impact of this missense change (SIFT: "Tolerated"; PolyPhen-2: "Probably Damaging"; Align-GVGD: "Class C0"). In summary, the available evidence is currently insufficient to determine the role of this variant in disease. Therefore, it has been classified as a Variant of Uncertain Significance.